The following is an entry in ClinVar:

ClinVar aggregate classification (germline): Uncertain significance. Review status: criteria provided, multiple submitters, no conflicts (2 of 4 stars). 3 submissions from 3 submitters: Uncertain significance (2). 1 of the submissions does not count toward it. Last evaluated 2024-10-17.

Conditions:
Retinal dystrophy. Also called: Inherited retinal dystrophy. Identifiers: Orphanet 71862, MedGen C0854723, MeSH D058499, MONDO:0019118, HP:0000556.

Allele frequency attached by ClinVar (database versions not stated): gnomAD exomes 0.00001 and 0.00002; ExAC 0.00002; gnomAD 0.00003; TOPMed 0.00003; 1000 Genomes Project 30x 0.00016; 1000 Genomes Project 0.00020.
gnomAD v4.1: 25 of 1,614,110 alleles (0.0015%); highest among the groups gnomAD compares: Admixed American, 0.0033%; no homozygotes.

Submissions (3):

Blueprint Genetics
Classification: Uncertain significance. Last evaluated: 2024-10-17. Review status: criteria provided, single submitter. Criteria: ACMG Guidelines, 2015. Collection method: clinical testing. Allele origin: germline.

Labcorp Genetics (formerly Invitae), Labcorp
Classification: Uncertain significance. Last evaluated: 2022-10-13. Review status: criteria provided, single submitter. Criteria: Invitae Variant Classification Sherloc (09022015). Collection method: clinical testing. Allele origin: germline.
Comment: This variant is present in population databases (rs531246692, gnomAD 0.006%). This sequence change replaces arginine, which is basic and polar, with glutamine, which is neutral and polar, at codon 1088 of the IMPG2 protein (p.Arg1088Gln). This variant has not been reported in the literature in individuals affected with IMPG2-related conditions. In summary, the available evidence is currently insufficient to determine the role of this variant in disease. Therefore, it has been classified as a Variant of Uncertain Significance. Advanced modeling of protein sequence and biophysical properties (such as structural, functional, and spatial information, amino acid conservation, physicochemical variation, residue mobility, and thermodynamic stability) performed at Invitae indicates that this missense variant is expected to disrupt IMPG2 protein function. ClinVar contains an entry for this variant (Variation ID: 1023225).

Institute of Human Genetics, Univ. Regensburg, Univ. Regensburg
Classification: Uncertain significance for Retinal dystrophy. Last evaluated: 2023-01-01. Review status: no assertion criteria provided. Criteria: ACMG Guidelines, 2015. Collection method: clinical testing. Allele origin: germline. Affected: yes. Not counted in ClinVar's aggregate classification.

NM_016247.4(IMPG2):c.3263G>A (p.Arg1088Gln)

Gene: IMPG2 (interphotoreceptor matrix proteoglycan 2; minus strand). Cytogenetic location: 3q12.3.
Variant type: single nucleotide variant.
Coding change: c.3263G>A on transcript NM_016247.4 (MANE Select); coding-DNA position 3263, G replaced by A.
Protein change: p.Arg1088Gln; replaces arginine 1088 with glutamine.
Molecular consequence: missense variant.
Genome position (GRCh38, 1-based): chr3:101,231,116, C>T on the plus strand (G>A on the coding strand, the complement: IMPG2 is on the minus strand). VCF-style: chr3-101231116-C-T. GRCh37 (hg19) VCF-style: chr3-100949960-C-T.
Other names: short protein forms R1088Q.
Identifiers: ClinVar variation 1023225 (VCV001023225.7), dbSNP rs531246692, ClinGen allele CA2518794.